The following is an entry in ClinVar:

ClinVar aggregate classification (germline): Uncertain significance (1 of 4 stars; one submission).

Submission:

Labcorp Genetics (formerly Invitae), Labcorp
Classification: Uncertain significance. Last evaluated: 2025-04-09. Review status: criteria provided, single submitter. Criteria: Invitae Variant Classification Sherloc (09022015). Collection method: clinical testing. Allele origin: germline.
Comment: This sequence change replaces glutamic acid, which is acidic and polar, with valine, which is neutral and non-polar, at codon 534 of the KDM1A protein (p.Glu534Val). This variant is not present in population databases (gnomAD no frequency). This variant has not been reported in the literature in individuals affected with KDM1A-related conditions. Invitae Evidence Modeling of protein sequence and biophysical properties (such as structural, functional, and spatial information, amino acid conservation, physicochemical variation, residue mobility, and thermodynamic stability) indicates that this missense variant is not expected to disrupt KDM1A protein function with a negative predictive value of 80%. In summary, the available evidence is currently insufficient to determine the role of this variant in disease. Therefore, it has been classified as a Variant of Uncertain Significance.

NM_001009999.3(KDM1A):c.1601A>T (p.Glu534Val)

Gene: KDM1A (lysine demethylase 1A; plus strand). Cytogenetic location: 1p36.12.
Variant type: single nucleotide variant.
Coding change: c.1601A>T on transcript NM_001009999.3 (MANE Select); coding-DNA position 1601, A replaced by T.
Protein change: p.Glu534Val; replaces glutamic acid 534 with valine.
Molecular consequence: missense variant.
Genome position (GRCh38, 1-based): chr1:23,072,176, A>T. VCF-style: chr1-23072176-A-T. GRCh37 (hg19) VCF-style: chr1-23398669-A-T.
Other names: c.1529A>T, p.Glu510Val (NM_001363654.2, NM_001410763.1, NM_015013.4); c.1589A>T, p.Glu530Val (NM_001410762.1); short protein forms E510V, E530V, E534V.
Identifiers: ClinVar variation 4744502 (VCV004744502.1).